The following is an entry in ClinVar:

ClinVar aggregate classification (germline): Uncertain significance (1 of 4 stars; one submission).

Allele frequency attached by ClinVar (database versions not stated): gnomAD exomes below 0.00001 and 0.00001; ExAC 0.00001.
gnomAD v4.1: 3 of 1,613,258 alleles (0.00019%); highest among the groups gnomAD compares: Non-Finnish European, 0.00017%; no homozygotes.

Submission:

Labcorp Genetics (formerly Invitae), Labcorp
Classification: Uncertain significance. Last evaluated: 2022-07-19. Review status: criteria provided, single submitter. Criteria: Invitae Variant Classification Sherloc (09022015). Collection method: clinical testing. Allele origin: germline.
Comment: In summary, the available evidence is currently insufficient to determine the role of this variant in disease. Therefore, it has been classified as a Variant of Uncertain Significance. Algorithms developed to predict the effect of missense changes on protein structure and function are either unavailable or do not agree on the potential impact of this missense change (SIFT: "Deleterious"; PolyPhen-2: "Possibly Damaging"; Align-GVGD: "Class C0"). ClinVar contains an entry for this variant (Variation ID: 1486641). This variant has not been reported in the literature in individuals affected with CCDC88A-related conditions. This variant is present in population databases (rs773388970, gnomAD no frequency). This sequence change replaces glycine, which is neutral and non-polar, with glutamic acid, which is acidic and polar, at codon 1721 of the CCDC88A protein (p.Gly1721Glu).

NM_001365480.1(CCDC88A):c.5165G>A (p.Gly1722Glu)

Gene: CCDC88A (coiled-coil and HOOK domain protein 88A; minus strand). Cytogenetic location: 2p16.1.
Variant type: single nucleotide variant.
Coding change: c.5165G>A on transcript NM_001365480.1 (MANE Select); coding-DNA position 5165, G replaced by A.
Protein change: p.Gly1722Glu; replaces glycine 1722 with glutamic acid.
Molecular consequence: missense variant.
Genome position (GRCh38, 1-based): chr2:55,295,983, C>T on the plus strand (G>A on the coding strand, the complement: CCDC88A is on the minus strand). VCF-style: chr2-55295983-C-T. GRCh37 (hg19) VCF-style: chr2-55523119-C-T.
Other names: c.5162G>A, p.Gly1721Glu (NM_001135597.2, NM_001254943.2); c.5081G>A, p.Gly1694Glu (NM_018084.5); short protein forms G1722E, G1694E, G1721E.
Identifiers: ClinVar variation 1486641 (VCV001486641.8), dbSNP rs773388970, ClinGen allele CA1665374.